The following is an entry in ClinVar:

NM_024301.5(FKRP):c.1310A>G (p.Gln437Arg)

Gene: FKRP (fukutin related protein; plus strand). Cytogenetic location: 19q13.32.
Variant type: single nucleotide variant.
Coding change: c.1310A>G on transcript NM_024301.5 (MANE Select); coding-DNA position 1310, A replaced by G.
Protein change: p.Gln437Arg; replaces glutamine 437 with arginine.
Molecular consequence: missense variant.
Genome position (GRCh38, 1-based): chr19:46,756,760, A>G. VCF-style: chr19-46756760-A-G. GRCh37 (hg19) VCF-style: chr19-47260017-A-G.
Other names: c.1310A>G, p.Gln437Arg (NM_001039885.3); short protein forms Q437R.
Identifiers: ClinVar variation 1057521 (VCV001057521.10), dbSNP rs2122635070, ClinGen allele CA406497103.

ClinVar aggregate classification (germline): Uncertain significance (1 of 4 stars; one submission).

Conditions:
Walker-Warburg congenital muscular dystrophy. Also called: Muscular dystrophy-dystroglycanopathy, type A; Walker-Warburg syndrome. Identifiers: Orphanet 899, MedGen C0265221, MONDO:0000171.

Submission:

Labcorp Genetics (formerly Invitae), Labcorp
Classification: Uncertain significance for Walker-Warburg congenital muscular dystrophy. Last evaluated: 2022-03-18. Review status: criteria provided, single submitter. Criteria: Invitae Variant Classification Sherloc (09022015). Collection method: clinical testing. Allele origin: germline.
Comment: Algorithms developed to predict the effect of missense changes on protein structure and function are either unavailable or do not agree on the potential impact of this missense change (SIFT: "Tolerated"; PolyPhen-2: "Probably Damaging"; Align-GVGD: "Class C0"). In summary, the available evidence is currently insufficient to determine the role of this variant in disease. Therefore, it has been classified as a Variant of Uncertain Significance. ClinVar contains an entry for this variant (Variation ID: 1057521). This sequence change replaces glutamine, which is neutral and polar, with arginine, which is basic and polar, at codon 437 of the FKRP protein (p.Gln437Arg). This variant is not present in population databases (gnomAD no frequency). This variant has not been reported in the literature in individuals affected with FKRP-related conditions.